The following is an entry in ClinVar:

NM_152730.6(TBC1D32):c.3614T>C (p.Leu1205Pro)

Gene: TBC1D32 (TBC1 domain family member 32; minus strand). Cytogenetic location: 6q22.31.
Variant type: single nucleotide variant.
Coding change: c.3614T>C on transcript NM_152730.6 (MANE Select); coding-DNA position 3614, T replaced by C.
Protein change: p.Leu1205Pro; replaces leucine 1205 with proline.
Molecular consequence: missense variant. On other transcripts: non-coding transcript variant (1).
Genome position (GRCh38, 1-based): chr6:121,090,893, A>G on the plus strand (T>C on the coding strand, the complement: TBC1D32 is on the minus strand). VCF-style: chr6-121090893-A-G. GRCh37 (hg19) VCF-style: chr6-121412039-A-G.
Other names: c.3737T>C, p.Leu1246Pro (NM_001367759.1, NM_001367760.1); short protein forms L1205P, L1246P.
Identifiers: ClinVar variation 2747244 (VCV002747244.3), dbSNP rs1403435593, ClinGen allele CA365557341.

ClinVar aggregate classification (germline): Uncertain significance (1 of 4 stars; one submission).

Allele frequency attached by ClinVar (database versions not stated): gnomAD exomes below 0.00001.
gnomAD v4.1: 3 of 1,612,816 alleles (0.00019%); highest among the groups gnomAD compares: Non-Finnish European, 0.00025%; no homozygotes.

Submission:

Labcorp Genetics (formerly Invitae), Labcorp
Classification: Uncertain significance. Last evaluated: 2023-05-29. Review status: criteria provided, single submitter. Criteria: Invitae Variant Classification Sherloc (09022015). Collection method: clinical testing. Allele origin: germline.
Comment: This variant is present in population databases (no rsID available, gnomAD 0.002%). This sequence change replaces leucine, which is neutral and non-polar, with proline, which is neutral and non-polar, at codon 1205 of the TBC1D32 protein (p.Leu1205Pro). This variant has not been reported in the literature in individuals affected with TBC1D32-related conditions. In summary, the available evidence is currently insufficient to determine the role of this variant in disease. Therefore, it has been classified as a Variant of Uncertain Significance. An algorithm developed to predict the effect of missense changes on protein structure and function (PolyPhen-2) suggests that this variant is likely to be disruptive.